The following is an entry in ClinVar:

NM_000492.4(CFTR):c.325_327delinsG (p.Tyr109fs)

Gene: CFTR (CF transmembrane conductance regulator; plus strand). Cytogenetic location: 7q31.2.
Variant type: Indel.
Coding change: c.325_327delinsG on transcript NM_000492.4 (MANE Select); coding-DNA positions 325 to 327, TAT replaced by G.
Protein change: p.Tyr109fs; shifts the reading frame from tyrosine 109.
Molecular consequence: frameshift variant.
Genome position (GRCh38, 1-based): chr7:117,530,950-117,530,952, TAT replaced by G. VCF-style: chr7-117530950-TAT-G. GRCh37 (hg19) VCF-style: chr7-117171004-TAT-G.
Other names: 457TAT->G; c.325_327delTATinsG (NM_000492.3); short protein forms Y109fs.
Identifiers: ClinVar variation 53696 (VCV000053696.8), dbSNP rs121908798, ClinGen allele CA328112.

ClinVar aggregate classification (germline): Pathogenic. Review status: reviewed by expert panel (3 of 4 stars). 5 submissions from 5 submitters: Pathogenic (1). 4 of the submissions do not count toward it. Last evaluated 2017-03-17.

Conditions:
CFTR-related disorder (CFTR-RD). Also called: CFTR-related condition; CFTR-related disorders. Identifiers: MedGen C5924204, MONDO:7770004.
Bronchiectasis with or without elevated sweat chloride 1 (BESC1). Also called: Cystic Fibrosis-Like Syndrome. Identifiers: Orphanet 60033, MedGen C2749757, MONDO:0008887, OMIM 211400.
Cystic fibrosis (CF). Also called: MUCOVISCIDOSIS. Identifiers: Orphanet 586, MedGen C0010674, MONDO:0009061, OMIM 219700. Disease mechanism: loss of function.

Submissions (5):

CFTR2
Classification: Pathogenic for Cystic fibrosis. Last evaluated: 2017-03-17. Review status: reviewed by expert panel. Criteria: Sosnay PR et al. (Nat Genet 2013). Collection method: research. Allele origin: germline. Affected: yes. Study: CFTR2.

Natera, Inc.
Classification: Pathogenic for CFTR-related disorders. Last evaluated: 2025-04-14. Review status: criteria provided, single submitter. Criteria: Natera Variant Classification Schema (03/2026). Collection method: clinical testing. Allele origin: germline. Not counted in ClinVar's aggregate classification.
Comment: The c.325_327delTATinsG variant in CFTR is a frameshift variant predicted to shift the reading frame beginning at codon 109 and leads to a stop codon 4 codons downstream. This variant is expected to result in nonsense mediated decay, truncation, or a dysfunctional protein product. This variant is rare in the general population with a frequency below the threshold expected for the associated phenotype(s). This variant has been observed in one or more individuals affected with the associated recessive disease, as either homozygous or compound heterozygous with a second variant (PMID: 19419506, 18467194). Given the available evidence, this variant is classified as Pathogenic.

Women's Health and Genetics/Laboratory Corporation of America, LabCorp
Classification: Pathogenic for Cystic fibrosis. Last evaluated: 2025-03-10. Review status: criteria provided, single submitter. Criteria: LabCorp Variant Classification Summary - May 2015. Collection method: clinical testing. Allele origin: germline. Not counted in ClinVar's aggregate classification.
Comment: Variant summary: CFTR c.325_327delinsG (p.Tyr109GlyfsX4) results in a premature termination codon, predicted to cause a truncation of the encoded protein or absence of the protein due to nonsense mediated decay, which are commonly known mechanisms for disease. The variant was absent in 251124 control chromosomes. c.325_327delinsG has been reported in the literature in multiple individuals affected with Cystic Fibrosis, including as a compound heterozygous genotype (e.g. Terzic_2019). These data indicate that the variant may be associated with disease. To our knowledge, no experimental evidence demonstrating an impact on protein function has been reported. The following publication has been ascertained in the context of this evaluation (PMID: 31523618). ClinVar contains an entry for this variant (Variation ID: 53696). Based on the evidence outlined above, the variant was classified as pathogenic.

Baylor Genetics
Classification: Pathogenic for Bronchiectasis with or without elevated sweat chloride 1. Last evaluated: 2023-03-05. Review status: criteria provided, single submitter. Criteria: ACMG Guidelines, 2015. Collection method: clinical testing. Allele origin: unknown. Not counted in ClinVar's aggregate classification.

CFTR-France
Classification: Pathogenic for cystic fibrosis. Last evaluated: 2018-01-29. Review status: criteria provided, single submitter. Criteria: Claustres M et al. (Hum Mutat 2017). Collection method: curation. Allele origin: germline. Affected: yes. Not counted in ClinVar's aggregate classification.

Literature cited by the submitters: PubMed 19419506 (cited by Natera, Inc.); PubMed 18467194 (cited by Natera, Inc.); PubMed 31523618 (cited by Women's Health and Genetics/Laboratory Corporation of America, LabCorp).